The following is an entry in ClinVar:

ClinVar aggregate classification (germline): Benign/Likely benign. Review status: criteria provided, multiple submitters, no conflicts (2 of 4 stars). 4 submissions from 4 submitters: Benign (1); Likely benign (3). Last evaluated 2026-04-15.

Conditions:
DICER1-related tumor predisposition. Also called: DICER1 syndrome; DICER1-related pleuropulmonary blastoma cancer predisposition syndrome. Identifiers: Orphanet 284343, MedGen C3839822, MONDO:0100216.
Hereditary cancer-predisposing syndrome. Also called: Neoplastic Syndromes, Hereditary; Hereditary Cancer Syndrome; Tumor predisposition; Hereditary neoplastic syndrome. Identifiers: Orphanet 140162, MedGen C0027672, MeSH D009386, MONDO:0015356.

Allele frequency attached by ClinVar (database versions not stated): gnomAD exomes below 0.00001.
gnomAD v4.1: 1 of 1,611,818 alleles (0.000062%); highest among the groups gnomAD compares: Non-Finnish European, 0.000085%; no homozygotes.

Submissions (4):

Myriad Genetics, Inc.
Classification: Benign for DICER1-related tumor predisposition. Last evaluated: 2026-04-15. Review status: criteria provided, single submitter. Criteria: Myriad Autosomal Dominant, Autosomal Recessive and X-Linked Classification Criteria (2023). Collection method: clinical testing. Allele origin: unknown.
Comment: This variant is considered benign. This variant is a silent/synonymous amino acid change and it is not expected to impact splicing.

Labcorp Genetics (formerly Invitae), Labcorp
Classification: Likely benign for DICER1-related tumor predisposition. Last evaluated: 2023-11-02. Review status: criteria provided, single submitter. Criteria: Invitae Variant Classification Sherloc (09022015). Collection method: clinical testing. Allele origin: germline.

Ambry Genetics
Classification: Likely benign for Hereditary cancer-predisposing syndrome. Last evaluated: 2023-03-29. Review status: criteria provided, single submitter. Criteria: Ambry Variant Classification Scheme 2023. Collection method: clinical testing. Allele origin: germline.

Blueprint Genetics
Classification: Likely benign. Last evaluated: 2022-10-27. Review status: criteria provided, single submitter. Criteria: ACMG Guidelines, 2015. Collection method: clinical testing. Allele origin: germline.

NM_177438.3(DICER1):c.585T>C (p.Asn195=)

Gene: DICER1 (dicer 1, ribonuclease III; minus strand). Cytogenetic location: 14q32.13.
Variant type: single nucleotide variant.
Coding change: c.585T>C on transcript NM_177438.3 (MANE Select); coding-DNA position 585, T replaced by C.
Protein change: p.Asn195=; no amino-acid change (asparagine 195 retained).
Molecular consequence: synonymous variant.
Genome position (GRCh38, 1-based): chr14:95,129,621, A>G on the plus strand (T>C on the coding strand, the complement: DICER1 is on the minus strand). VCF-style: chr14-95129621-A-G. GRCh37 (hg19) VCF-style: chr14-95595958-A-G.
Other names: c.585T>C, p.Asn195= (NM_001195573.1, NM_001271282.3, NM_001291628.2 and 1 more transcripts); c.585T>C (NM_177438.2).
Identifiers: ClinVar variation 1547576 (VCV001547576.12), dbSNP rs2140261523, ClinGen allele CA487633874.